The following is an entry in ClinVar:

NM_001447.3(FAT2):c.640C>T (p.Arg214Ter)

Gene: FAT2 (FAT atypical cadherin 2; minus strand). Cytogenetic location: 5q33.1.
Variant type: single nucleotide variant.
Coding change: c.640C>T on transcript NM_001447.3 (MANE Select); coding-DNA position 640, C replaced by T.
Protein change: p.Arg214Ter; replaces arginine 214 with a stop codon.
Molecular consequence: nonsense.
Genome position (GRCh38, 1-based): chr5:151,568,292, G>A on the plus strand (C>T on the coding strand, the complement: FAT2 is on the minus strand). VCF-style: chr5-151568292-G-A. GRCh37 (hg19) VCF-style: chr5-150947853-G-A.
Other names: short protein forms R214*.
Identifiers: ClinVar variation 1917524 (VCV001917524.5), dbSNP rs777148610, ClinGen allele CA3522402.

ClinVar aggregate classification (germline): Uncertain significance (1 of 4 stars; one submission).

Allele frequency attached by ClinVar (database versions not stated): ExAC 0.00001.
gnomAD v4.1: 29 of 1,613,990 alleles (0.0018%); highest among the groups gnomAD compares: Admixed American, 0.0033%; no homozygotes.

Submission:

Labcorp Genetics (formerly Invitae), Labcorp
Classification: Uncertain significance. Last evaluated: 2022-06-14. Review status: criteria provided, single submitter. Criteria: Invitae Variant Classification Sherloc (09022015). Collection method: clinical testing. Allele origin: germline.
Comment: This sequence change creates a premature translational stop signal (p.Arg214*) in the FAT2 gene. It is expected to result in an absent or disrupted protein product. However, the current clinical and genetic evidence is not sufficient to establish whether loss-of-function variants in FAT2 cause disease. This variant is present in population databases (rs777148610, gnomAD 0.003%). This variant has not been reported in the literature in individuals affected with FAT2-related conditions. In summary, the available evidence is currently insufficient to determine the role of this variant in disease. Therefore, it has been classified as a Variant of Uncertain Significance.